The following is an entry in ClinVar:

ClinVar aggregate classification (germline): Uncertain significance. Review status: criteria provided, single submitter (1 of 4 stars). 2 submissions from 2 submitters: Uncertain significance (1). 1 of the submissions does not count toward it. Last evaluated 2025-03-04.

Conditions:
TBX1-related disorder. Also called: TBX1-Related Disorders; TBX1-related condition.
DiGeorge syndrome. Also called: THIRD AND FOURTH PHARYNGEAL POUCH SYNDROME; Catch22. Identifiers: Orphanet 567, MedGen C0012236, MONDO:0008564, OMIM 188400.

Allele frequency attached by ClinVar (database versions not stated): gnomAD 0.00001.
gnomAD v4.1: 13 of 1,362,868 alleles (0.00095%); highest among the groups gnomAD compares: Non-Finnish European, 0.0012%; no homozygotes.

Submissions (2):

Labcorp Genetics (formerly Invitae), Labcorp
Classification: Uncertain significance for DiGeorge syndrome. Last evaluated: 2025-03-04. Review status: criteria provided, single submitter. Criteria: Invitae Variant Classification Sherloc (09022015). Collection method: clinical testing. Allele origin: germline.
Comment: This sequence change replaces glycine, which is neutral and non-polar, with alanine, which is neutral and non-polar, at codon 390 of the TBX1 protein (p.Gly390Ala). This variant is not present in population databases (gnomAD no frequency). This variant has not been reported in the literature in individuals affected with TBX1-related conditions. ClinVar contains an entry for this variant (Variation ID: 1350598). An algorithm developed to predict the effect of missense changes on protein structure and function (PolyPhen-2) suggests that this variant is likely to be tolerated. In summary, the available evidence is currently insufficient to determine the role of this variant in disease. Therefore, it has been classified as a Variant of Uncertain Significance.

PreventionGenetics, part of Exact Sciences
Classification: Uncertain significance for TBX1-related condition. Last evaluated: 2024-06-21. Review status: no assertion criteria provided. Collection method: clinical testing. Allele origin: germline. Not counted in ClinVar's aggregate classification.
Comment: The TBX1 c.1169G>C variant is predicted to result in the amino acid substitution p.Gly390Ala. To our knowledge, this variant has not been reported in the literature or in the gnomAD v2.1.1 population database cited in the table above. However, it has been reported in 13 alleles in the larger gnomAD v4.1.0 database. Although we suspect that this variant may be benign, at this time, the clinical significance of this variant is uncertain due to the absence of conclusive functional and genetic evidence.

NM_001379200.1(TBX1):c.1196G>C (p.Gly399Ala)

Gene: TBX1 (T-box transcription factor 1; plus strand). Cytogenetic location: 22q11.21.
Variant type: single nucleotide variant.
Coding change: c.1196G>C on transcript NM_001379200.1 (MANE Select); coding-DNA position 1196, G replaced by C.
Protein change: p.Gly399Ala; replaces glycine 399 with alanine.
Molecular consequence: missense variant. On other transcripts: intron variant (2).
Genome position (GRCh38, 1-based): chr22:19,766,548, G>C. VCF-style: chr22-19766548-G-C. GRCh37 (hg19) VCF-style: chr22-19754071-G-C.
Other names: c.1169G>C, p.Gly390Ala (NM_080647.1); c.1009+546G>C (NM_005992.1, NM_080646.2); short protein forms G399A, G390A.
Identifiers: ClinVar variation 1350598 (VCV001350598.10), dbSNP rs1274082696, ClinGen allele CA410684479.
Genomic context (GRCh38, chr22:19,766,548, plus strand): 5'-GCCCCTCGCTGCCCGGGGCCGGCGGCGCCGGCGGCTTAGTCCCGCTGCCCGGCGCGCCCG[G>C]AGGCCGGCCCAGTCCCCCGAACCCCGAGCTGCGCCTGGAGGCGCCCGGCGCATCGGAGCC-3'
Protein context (NP_001366129.1, residues 389-409): GGLVPLPGAP[Gly399Ala]GRPSPPNPEL